The following is an entry in ClinVar:

NM_000051.4(ATM):c.4843A>G (p.Lys1615Glu)

Gene: ATM (ATM serine/threonine kinase; plus strand). Cytogenetic location: 11q22.3.
Variant type: single nucleotide variant.
Coding change: c.4843A>G on transcript NM_000051.4 (MANE Select); coding-DNA position 4843, A replaced by G.
Protein change: p.Lys1615Glu; replaces lysine 1615 with glutamic acid.
Molecular consequence: missense variant.
Genome position (GRCh38, 1-based): chr11:108,294,993, A>G. VCF-style: chr11-108294993-A-G. GRCh37 (hg19) VCF-style: chr11-108165720-A-G.
Other names: c.4843A>G, p.Lys1615Glu (NM_001351834.2); short protein forms K1615E.
Identifiers: ClinVar variation 2851111 (VCV002851111.3), dbSNP rs1198807647, ClinGen allele CA382536886.

ClinVar aggregate classification (germline): Uncertain significance (1 of 4 stars; one submission).

Conditions:
Ataxia-telangiectasia syndrome (AT). Also called: LOUIS-BAR SYNDROME; Cerebello-oculocutaneous telangiectasia; Immunodeficiency with ataxia telangiectasia; Ataxia telangiectasia (A-T); ATAXIA-TELANGIECTASIA, COMPLEMENTATION GROUP A; ATAXIA-TELANGIECTASIA, FRESNO VARIANT. Identifiers: Orphanet 100, MedGen C0004135, MONDO:0008840, OMIM 208900.

Allele frequency attached by ClinVar (database versions not stated): TOPMed below 0.00001.

Submission:

Labcorp Genetics (formerly Invitae), Labcorp
Classification: Uncertain significance for Ataxia-telangiectasia syndrome. Last evaluated: 2023-08-06. Review status: criteria provided, single submitter. Criteria: Invitae Variant Classification Sherloc (09022015). Collection method: clinical testing. Allele origin: germline.
Comment: This sequence change replaces lysine, which is basic and polar, with glutamic acid, which is acidic and polar, at codon 1615 of the ATM protein (p.Lys1615Glu). In summary, the available evidence is currently insufficient to determine the role of this variant in disease. Therefore, it has been classified as a Variant of Uncertain Significance. An algorithm developed to predict the effect of missense changes on protein structure and function (PolyPhen-2) suggests that this variant is likely to be tolerated. This variant has not been reported in the literature in individuals affected with ATM-related conditions. This variant is present in population databases (no rsID available, gnomAD no frequency).